The following is an entry in ClinVar:

NM_001365999.1(SZT2):c.5516G>A (p.Arg1839His)

Gene: SZT2 (SZT2 subunit of KICSTOR complex; plus strand). Cytogenetic location: 1p34.2.
Variant type: single nucleotide variant.
Coding change: c.5516G>A on transcript NM_001365999.1 (MANE Select); coding-DNA position 5516, G replaced by A.
Protein change: p.Arg1839His; replaces arginine 1839 with histidine.
Molecular consequence: missense variant.
Genome position (GRCh38, 1-based): chr1:43,432,590, G>A. VCF-style: chr1-43432590-G-A. GRCh37 (hg19) VCF-style: chr1-43898261-G-A.
Other names: c.5345G>A, p.Arg1782His (NM_015284.4); short protein forms R1782H, R1839H.
Identifiers: ClinVar variation 521493 (VCV000521493.15), dbSNP rs760427137, ClinGen allele CA809598.

ClinVar aggregate classification (germline): Uncertain significance. Review status: criteria provided, multiple submitters, no conflicts (2 of 4 stars). 4 submissions from 4 submitters: Uncertain significance (4). Last evaluated 2026-01-12.

Conditions:
Inborn genetic diseases. Identifiers: MedGen C0950123, MeSH D030342.
Developmental and epileptic encephalopathy, 18 (DEE18). Also called: Early infantile epileptic encephalopathy 18. Identifiers: Orphanet 369894, MedGen C3809624, MONDO:0014201, OMIM 615476.

Allele frequency attached by ClinVar (database versions not stated): TOPMed 0.00006; gnomAD 0.00007 and 0.00008.
gnomAD v4.1: 125 of 1,613,560 alleles (0.0077%); highest among the groups gnomAD compares: East Asian, 0.02%; no homozygotes.

Submissions (4):

Labcorp Genetics (formerly Invitae), Labcorp
Classification: Uncertain significance. Last evaluated: 2026-01-12. Review status: criteria provided, single submitter. Criteria: Invitae Variant Classification Sherloc (09022015). Collection method: clinical testing. Allele origin: germline.
Comment: This sequence change replaces arginine, which is basic and polar, with histidine, which is basic and polar, at codon 1782 of the SZT2 protein (p.Arg1782His). This variant is present in population databases (rs760427137, gnomAD 0.02%). This variant has not been reported in the literature in individuals affected with SZT2-related conditions. ClinVar contains an entry for this variant (Variation ID: 521493). Invitae Evidence Modeling of protein sequence and biophysical properties (such as structural, functional, and spatial information, amino acid conservation, physicochemical variation, residue mobility, and thermodynamic stability) indicates that this missense variant is not expected to disrupt SZT2 protein function with a negative predictive value of 80%. In summary, the available evidence is currently insufficient to determine the role of this variant in disease. Therefore, it has been classified as a Variant of Uncertain Significance.

Women's Health and Genetics/Laboratory Corporation of America, LabCorp
Classification: Uncertain significance. Last evaluated: 2025-12-30. Review status: criteria provided, single submitter. Criteria: LabCorp Variant Classification Summary - May 2015. Collection method: clinical testing. Allele origin: germline.
Comment: Variant summary: SZT2 c.5345G>A (p.Arg1782His) results in a non-conservative amino acid change in the encoded protein sequence. Algorithms developed to predict the effect of missense changes on protein structure and function are either unavailable or do not agree on the potential impact of this missense change. The variant allele was found at a frequency of 5.2e-05 in 250428 control chromosomes. This frequency is not significantly higher than estimated for disease-causing variants in SZT2, allowing no conclusion about variant significance. To our knowledge, no occurrence of c.5345G>A in individuals affected with SZT2-related conditions and no experimental evidence demonstrating its impact on protein function have been reported. ClinVar contains an entry for this variant (Variation ID: 521493). Based on the evidence outlined above, the variant was classified as uncertain significance.

Genome-Nilou Lab
Classification: Uncertain significance for Developmental and epileptic encephalopathy, 18. Last evaluated: 2023-04-11. Review status: criteria provided, single submitter. Criteria: ACMG Guidelines, 2015. Collection method: clinical testing. Allele origin: germline. Affected: no.

Ambry Genetics
Classification: Uncertain significance for Inborn genetic diseases. Last evaluated: 2017-06-28. Review status: criteria provided, single submitter. Criteria: Ambry Variant Classification Scheme 2023. Collection method: clinical testing. Allele origin: germline.
Comment: The p.R1782H variant (also known as c.5345G>A), located in coding exon 37 of the SZT2 gene, results from a G to A substitution at nucleotide position 5345. The arginine at codon 1782 is replaced by histidine, an amino acid with highly similar properties. This amino acid position is well conserved in available vertebrate species. In addition, this alteration is predicted to be tolerated by in silico analysis. Since supporting evidence is limited at this time, the clinical significance of this alteration remains unclear.